The following is an entry in ClinVar:

ClinVar aggregate classification (germline): Uncertain significance (1 of 4 stars; one submission).

Submission:

GeneDx
Classification: Uncertain significance. Last evaluated: 2025-03-15. Review status: criteria provided, single submitter. Criteria: GeneDx Variant Classification Process June 2021. Collection method: clinical testing. Allele origin: germline. Affected: yes.
Comment: Not observed at significant frequency in large population cohorts (gnomAD); In silico analysis supports that this missense variant has a deleterious effect on protein structure/function; Has not been previously published as pathogenic or benign to our knowledge

NM_001111125.3(IQSEC2):c.3457C>T (p.Arg1153Trp)

Gene: IQSEC2 (IQ motif and Sec7 domain ArfGEF 2; minus strand). Cytogenetic location: Xp11.22.
Variant type: single nucleotide variant.
Coding change: c.3457C>T on transcript NM_001111125.3 (MANE Select); coding-DNA position 3457, C replaced by T.
Protein change: p.Arg1153Trp; replaces arginine 1153 with tryptophan.
Molecular consequence: missense variant. On other transcripts: intron variant (1).
Genome position (GRCh38, 1-based): chrX:53,235,827, G>A on the plus strand (C>T on the coding strand, the complement: IQSEC2 is on the minus strand). VCF-style: chrX-53235827-G-A. GRCh37 (hg19) VCF-style: chrX-53265009-G-A.
Other names: c.2836+495C>T (NM_015075.2); short protein forms R1153W.
Identifiers: ClinVar variation 1304197 (VCV001304197.3), dbSNP rs2147010353, ClinGen allele CA413143547.